The following is an entry in ClinVar:

ClinVar aggregate classification (germline): Uncertain significance (1 of 4 stars; one submission).

Conditions:
ADCY3-related disorder. Also called: ADCY3-related condition.

gnomAD v4.1: 6 of 1,614,026 alleles (0.00037%); highest among the groups gnomAD compares: Middle Eastern, 0.017%; no homozygotes.

Submission:

PreventionGenetics, part of Exact Sciences
Classification: Uncertain significance for ADCY3-related condition. Last evaluated: 2025-03-24. Review status: criteria provided, single submitter. Criteria: ACMG Guidelines, 2015. Collection method: clinical testing. Allele origin: germline.
Comment: The ADCY3 c.2201C>A variant is predicted to result in the amino acid substitution p.Pro734His. To our knowledge, this variant has not been reported in the literature. This variant is reported in 0.00089% of alleles in individuals of European (Non-Finnish) descent in gnomAD. At this time, the clinical significance of this variant is uncertain due to the absence of conclusive functional and genetic evidence.

NM_004036.5(ADCY3):c.2201C>A (p.Pro734His)

Gene: ADCY3 (adenylate cyclase 3; minus strand). Cytogenetic location: 2p23.3.
Variant type: single nucleotide variant.
Coding change: c.2201C>A on transcript NM_004036.5 (MANE Select); coding-DNA position 2201, C replaced by A.
Protein change: p.Pro734His; replaces proline 734 with histidine.
Molecular consequence: missense variant. On other transcripts: intron variant (2).
Genome position (GRCh38, 1-based): chr2:24,828,133, G>T on the plus strand (C>A on the coding strand, the complement: ADCY3 is on the minus strand). VCF-style: chr2-24828133-G-T. GRCh37 (hg19) VCF-style: chr2-25051002-G-T.
Other names: c.2201C>A, p.Pro734His (NM_001320613.2, NM_001377132.1); c.2267C>A, p.Pro756His (NM_001377128.1); c.1478C>A, p.Pro493His (NM_001377131.1); c.2172+2576C>A (NM_001377130.1); c.2173-110C>A (NM_001377129.1); short protein forms P493H, P734H, P756H.
Identifiers: ClinVar variation 3035888 (VCV003035888.3), dbSNP rs1558410394, ClinGen allele CA346065835.
Genomic context (GRCh38, chr2:24,828,133, plus strand): 5'-TAATACTTGGGGTTCTCCAGGCAGCTGCCCTCCGTTTCCATCCCTGCCGTTGCATTGCTG[G>T]GTCCCGTGTAGTACTGGAGACAGCTGAGCTGGAGGCCAGGACGGCGGGCAGGGACACACG-3'
Protein context (NP_004027.2, residues 724-744): MLSCLQYYTG[Pro734His]SNATAGMETE